The following is an entry in ClinVar:

ClinVar aggregate classification (germline): Uncertain significance (1 of 4 stars; one submission).

Conditions:
Inborn genetic diseases. Identifiers: MedGen C0950123, MeSH D030342.

gnomAD v4.1: 3 of 1,609,324 alleles (0.00019%); highest among the groups gnomAD compares: Non-Finnish European, 0.00025%; no homozygotes.

Submission:

Ambry Genetics
Classification: Uncertain significance for Inborn genetic diseases. Last evaluated: 2025-03-24. Review status: criteria provided, single submitter. Criteria: Ambry Variant Classification Scheme 2023. Collection method: clinical testing. Allele origin: germline.
Comment: The p.K8R variant (also known as c.23A>G), located in coding exon 1 of the ANKRD26 gene, results from an A to G substitution at nucleotide position 23. The lysine at codon 8 is replaced by arginine, an amino acid with highly similar properties. This amino acid position is conserved. In addition, this alteration is predicted to be tolerated by in silico analysis. Based on the available evidence, the clinical significance of this variant remains unclear.

NM_014915.3(ANKRD26):c.23A>G (p.Lys8Arg)

Genes: ANKRD26 (ankyrin repeat domain containing 26; minus strand), LOC130003554 (ATAC-STARR-seq lymphoblastoid silent region 2243; plus strand). Cytogenetic location: 10p12.1.
Variant type: single nucleotide variant.
Coding change: c.23A>G on transcript NM_014915.3 (MANE Select); coding-DNA position 23, A replaced by G.
Protein change: p.Lys8Arg; replaces lysine 8 with arginine.
Molecular consequence: missense variant.
Genome position (GRCh38, 1-based): chr10:27,100,304, T>C on the plus strand (A>G on the coding strand, the complement: ANKRD26 is on the minus strand). VCF-style: chr10-27100304-T-C. GRCh37 (hg19) VCF-style: chr10-27389233-T-C.
Other names: c.23A>G, p.Lys8Arg (NM_001256053.2); short protein forms K8R.
Identifiers: ClinVar variation 3913187 (VCV003913187.1).